The following is an entry in ClinVar:

ClinVar aggregate classification (germline): Conflicting classifications of pathogenicity. Review status: criteria provided, conflicting classifications (1 of 4 stars). 3 submissions from 3 submitters: Uncertain significance (1); Likely benign (2). Last evaluated 2024-02-09.

Conditions:
Familial cancer of breast. Also called: hereditary breast carcinoma; Hereditary breast cancer; BREAST CANCER, FAMILIAL. Identifiers: Orphanet 227535, MedGen C0346153, MONDO:0016419, OMIM 114480. Disease mechanism: loss of function.
Hereditary cancer-predisposing syndrome. Also called: Tumor predisposition; Hereditary neoplastic syndrome; Neoplastic Syndromes, Hereditary; Hereditary Cancer Syndrome. Identifiers: Orphanet 140162, MedGen C0027672, MeSH D009386, MONDO:0015356.

Submissions (3):

Ambry Genetics
Classification: Likely benign for Hereditary cancer-predisposing syndrome. Last evaluated: 2024-02-09. Review status: criteria provided, single submitter. Criteria: Ambry Variant Classification Scheme 2023. Collection method: clinical testing. Allele origin: germline.

Color Diagnostics, LLC DBA Color Health
Classification: Uncertain significance for Hereditary cancer-predisposing syndrome. Last evaluated: 2023-03-17. Review status: criteria provided, single submitter. Criteria: ACMG Guidelines, 2015. Collection method: clinical testing. Allele origin: germline.
Comment: This variant causes a T to G nucleotide substitution at the -4 position of intron 12 of the CHEK2 gene. To our knowledge, RNA studies have not been reported for this variant. This variant has not been reported in individuals affected with CHEK2-related disorders in the literature. This variant has not been identified in the general population by the Genome Aggregation Database (gnomAD). The available evidence is insufficient to determine the role of this variant in disease conclusively. Therefore, this variant is classified as a Variant of Uncertain Significance.

Labcorp Genetics (formerly Invitae), Labcorp
Classification: Likely benign for Familial cancer of breast. Last evaluated: 2020-03-05. Review status: criteria provided, single submitter. Criteria: Invitae Variant Classification Sherloc (09022015). Collection method: clinical testing. Allele origin: germline.

NM_007194.4(CHEK2):c.1376-4T>G

Gene: CHEK2 (checkpoint kinase 2; minus strand). Cytogenetic location: 22q12.1.
Variant type: single nucleotide variant.
Coding change: c.1376-4T>G on transcript NM_007194.4 (MANE Select); 4 bases into the intron before coding-DNA position 1376, T replaced by G.
Molecular consequence: intron variant.
Genome position (GRCh38, 1-based): chr22:28,694,121, A>C on the plus strand (T>G on the coding strand, the complement: CHEK2 is on the minus strand). VCF-style: chr22-28694121-A-C. GRCh37 (hg19) VCF-style: chr22-29090109-A-C.
Other names: c.713-4T>G (NM_001437942.1, NM_001257387.3); c.1175-4T>G (NM_001349956.3); c.1289-4T>G (NM_145862.3); c.1382-4T>G (NM_001438295.1); c.1469-4T>G (NM_001438293.1); c.1418-4T>G (NM_001438294.1); c.1505-4T>G (NM_001005735.3).
Identifiers: ClinVar variation 819032 (VCV000819032.17), dbSNP rs1601716727, ClinGen allele CA915952840.